The following is an entry in ClinVar:

ClinVar aggregate classification (germline): Uncertain significance (0 of 4 stars; one submission).

Submission:

Genomic Research Center, Shahid Beheshti University of Medical Sciences
Classification: Uncertain significance. Review status: no assertion criteria provided. Collection method: not provided. Allele origin: somatic.
ClinVar note: Converted during submission from unknown to Uncertain significance.

NM_022336.4(EDAR):c.731-62T>C

Genes: EDAR (ectodysplasin A receptor; minus strand), RANBP2 (RAN binding protein 2; plus strand). Cytogenetic location: 2q13.
Variant type: single nucleotide variant.
Coding change: c.731-62T>C on transcript NM_022336.4 (MANE Select); 62 bases into the intron before coding-DNA position 731, T replaced by C.
Molecular consequence: intron variant.
Genome position (GRCh38, 1-based): chr2:108,910,594, A>G on the plus strand (T>C on the coding strand, the complement: EDAR is on the minus strand). VCF-style: chr2-108910594-A-G. GRCh37 (hg19) VCF-style: chr2-109527050-A-G.
Identifiers: ClinVar variation 155868 (VCV000155868.4), dbSNP rs535840595, ClinGen allele CA249815.